The following is an entry in ClinVar:

NM_182920.2(ADAMTS9):c.1785T>A (p.Ser595Arg)

Gene: ADAMTS9 (ADAM metallopeptidase with thrombospondin type 1 motif 9; minus strand). Cytogenetic location: 3p14.1.
Variant type: single nucleotide variant.
Coding change: c.1785T>A on transcript NM_182920.2 (MANE Select); coding-DNA position 1785, T replaced by A.
Protein change: p.Ser595Arg; replaces serine 595 with arginine.
Molecular consequence: missense variant.
Genome position (GRCh38, 1-based): chr3:64,641,919, A>T on the plus strand (T>A on the coding strand, the complement: ADAMTS9 is on the minus strand). VCF-style: chr3-64641919-A-T. GRCh37 (hg19) VCF-style: chr3-64627595-A-T.
Other names: c.1701T>A, p.Ser567Arg (NM_001318781.2); short protein forms S567R, S595R.
Identifiers: ClinVar variation 4232207 (VCV004232207.2).

ClinVar aggregate classification (germline): Uncertain significance. Review status: criteria provided, multiple submitters, no conflicts (2 of 4 stars). 2 submissions from 2 submitters: Uncertain significance (2). Last evaluated 2025-11-10.

gnomAD v4.1: 96 of 1,613,652 alleles (0.0059%); highest among the groups gnomAD compares: Non-Finnish European, 0.0079%; no homozygotes.

Submissions (2):

Labcorp Genetics (formerly Invitae), Labcorp
Classification: Uncertain significance. Last evaluated: 2025-11-10. Review status: criteria provided, single submitter. Criteria: Invitae Variant Classification Sherloc (09022015). Collection method: clinical testing. Allele origin: germline.
Comment: This sequence change replaces serine, which is neutral and polar, with arginine, which is basic and polar, at codon 595 of the ADAMTS9 protein (p.Ser595Arg). This variant is present in population databases (rs377194639, gnomAD 0.01%). This variant has not been reported in the literature in individuals affected with ADAMTS9-related conditions. ClinVar contains an entry for this variant (Variation ID: 4232207). An algorithm developed to predict the effect of missense changes on protein structure and function (PolyPhen-2) suggests that this variant is likely to be tolerated. In summary, the available evidence is currently insufficient to determine the role of this variant in disease. Therefore, it has been classified as a Variant of Uncertain Significance.

Ambry Genetics
Classification: Uncertain significance. Last evaluated: 2025-08-10. Review status: criteria provided, single submitter. Criteria: Ambry Variant Classification Scheme 2023. Collection method: clinical testing. Allele origin: germline.